The following is an entry in ClinVar:

ClinVar aggregate classification (germline): Likely pathogenic (1 of 4 stars; one submission).

Conditions:
Severe X-linked myotubular myopathy (CNMX). Also called: MYOTUBULAR MYOPATHY 1; X-linked centronuclear myopathy; Myotubular myopathy, X-linked. Identifiers: Orphanet 596, MedGen C0410203, MONDO:0010683, OMIM 310400.

Submission:

Myriad Genetics, Inc.
Classification: Likely pathogenic for Severe X-linked myotubular myopathy. Last evaluated: 2019-07-01. Review status: criteria provided, single submitter. Criteria: Myriad Women's Health Autosomal Recessive and X-Linked Classification Criteria (2019). Collection method: clinical testing. Allele origin: unknown.
Comment: NM_000252.2(MTM1):c.97G>T(E33*) is expected to be pathogenic in the context of X-linked myotubular myopathy. This variant is predicted to lead to an abnormal or absent protein product due to the creation of a premature termination codon in MTM1, a gene where loss-of-function variants are known to be pathogenic. Please note: this variant was assessed in the context of healthy population screening.

NM_000252.3(MTM1):c.97G>T (p.Glu33Ter)

Gene: MTM1 (myotubularin 1; plus strand). Cytogenetic location: Xq28.
Variant type: single nucleotide variant.
Coding change: c.97G>T on transcript NM_000252.3 (MANE Select); coding-DNA position 97, G replaced by T.
Protein change: p.Glu33Ter; replaces glutamic acid 33 with a stop codon.
Molecular consequence: nonsense.
Genome position (GRCh38, 1-based): chrX:150,596,531, G>T. VCF-style: chrX-150596531-G-T. GRCh37 (hg19) VCF-style: chrX-149764995-G-T.
Other names: c.97G>T, p.Glu33Ter (NM_001376906.1, NM_001376907.1, NM_001376908.1); short protein forms E33*.
Identifiers: ClinVar variation 984134 (VCV000984134.3), dbSNP rs2038978870, ClinGen allele CA415250125.